The following is an entry in ClinVar:

ClinVar aggregate classification (germline): Uncertain significance. Review status: criteria provided, multiple submitters, no conflicts (2 of 4 stars). 2 submissions from 2 submitters: Uncertain significance (2). Last evaluated 2024-11-21.

Conditions:
Mosaic variegated aneuploidy syndrome 1 (MVA1). Also called: Warburton-Anyane-Yeboa syndrome. Identifiers: Orphanet 1052, MedGen C1850343, MONDO:0009759, OMIM 257300.
Inborn genetic diseases. Identifiers: MedGen C0950123, MeSH D030342.

Allele frequency attached by ClinVar (database versions not stated): gnomAD exomes below 0.00001.

Submissions (2):

Labcorp Genetics (formerly Invitae), Labcorp
Classification: Uncertain significance for Mosaic variegated aneuploidy syndrome 1. Last evaluated: 2024-11-21. Review status: criteria provided, single submitter. Criteria: Invitae Variant Classification Sherloc (09022015). Collection method: clinical testing. Allele origin: germline.
Comment: This sequence change replaces proline, which is neutral and non-polar, with leucine, which is neutral and non-polar, at codon 351 of the BUB1B protein (p.Pro351Leu). This variant is present in population databases (no rsID available, gnomAD 0.0009%). This variant has not been reported in the literature in individuals affected with BUB1B-related conditions. ClinVar contains an entry for this variant (Variation ID: 848799). An algorithm developed to predict the effect of missense changes on protein structure and function (PolyPhen-2) suggests that this variant is likely to be tolerated. In summary, the available evidence is currently insufficient to determine the role of this variant in disease. Therefore, it has been classified as a Variant of Uncertain Significance.

Ambry Genetics
Classification: Uncertain significance for Inborn genetic diseases. Last evaluated: 2023-12-11. Review status: criteria provided, single submitter. Criteria: Ambry Variant Classification Scheme 2023. Collection method: clinical testing. Allele origin: germline.
Comment: The p.P351L variant (also known as c.1052C>T), located in coding exon 8 of the BUB1B gene, results from a C to T substitution at nucleotide position 1052. The proline at codon 351 is replaced by leucine, an amino acid with similar properties. This amino acid position is conserved. In addition, this alteration is predicted to be tolerated by in silico analysis. Since supporting evidence is limited at this time, the clinical significance of this alteration remains unclear.

NM_001211.6(BUB1B):c.1052C>T (p.Pro351Leu)

Gene: BUB1B (BUB1 mitotic checkpoint serine/threonine kinase B; plus strand). Cytogenetic location: 15q15.1.
Variant type: single nucleotide variant.
Coding change: c.1052C>T on transcript NM_001211.6 (MANE Select); coding-DNA position 1052, C replaced by T.
Protein change: p.Pro351Leu; replaces proline 351 with leucine.
Molecular consequence: missense variant.
Genome position (GRCh38, 1-based): chr15:40,185,636, C>T. VCF-style: chr15-40185636-C-T. GRCh37 (hg19) VCF-style: chr15-40477837-C-T.
Other names: short protein forms P351L.
Identifiers: ClinVar variation 848799 (VCV000848799.13), dbSNP rs1453705308, ClinGen allele CA391685336.
Genomic context (GRCh38, chr15:40,185,636, plus strand): 5'-TAGCTGTACCCGCTGTGCTTCCCAGTTTCACTCCATATGTGGAAGAGACTGCACGACAGC[C>T]AGTTATGTGAGTGTGGTTTTTGGATATTTTGAAGTGGGAATTATTAAGGGTGGGCAGAGG-3'
Protein context (NP_001202.5, residues 341-361): TPYVEETARQ[Pro351Leu]VMTPCKIEPS